The following is an entry in ClinVar:

ClinVar aggregate classification (germline): Uncertain significance (1 of 4 stars; one submission).

Submission:

Labcorp Genetics (formerly Invitae), Labcorp
Classification: Uncertain significance. Last evaluated: 2021-09-03. Review status: criteria provided, single submitter. Criteria: Invitae Variant Classification Sherloc (09022015). Collection method: clinical testing. Allele origin: germline.
Comment: Algorithms developed to predict the effect of missense changes on protein structure and function (SIFT, PolyPhen-2, Align-GVGD) all suggest that this variant is likely to be tolerated. This sequence change replaces glutamic acid with aspartic acid at codon 337 of the ACBD5 protein (p.Glu337Asp). The glutamic acid residue is moderately conserved and there is a small physicochemical difference between glutamic acid and aspartic acid. This variant is not present in population databases (ExAC no frequency). This variant has not been reported in the literature in individuals affected with ACBD5-related conditions. In summary, the available evidence is currently insufficient to determine the role of this variant in disease. Therefore, it has been classified as a Variant of Uncertain Significance.

NM_145698.5(ACBD5):c.1011A>C (p.Glu337Asp)

Gene: ACBD5 (acyl-CoA binding domain containing 5; minus strand). Cytogenetic location: 10p12.1.
Variant type: single nucleotide variant.
Coding change: c.1011A>C on transcript NM_145698.5 (MANE Select); coding-DNA position 1011, A replaced by C.
Protein change: p.Glu337Asp; replaces glutamic acid 337 with aspartic acid.
Molecular consequence: missense variant.
Genome position (GRCh38, 1-based): chr10:27,211,007, T>G on the plus strand (A>C on the coding strand, the complement: ACBD5 is on the minus strand). VCF-style: chr10-27211007-T-G. GRCh37 (hg19) VCF-style: chr10-27499936-T-G.
Other names: c.939A>C, p.Glu313Asp (NM_001352576.2, NM_001352574.2, NM_001352575.2); c.906A>C, p.Glu302Asp (NM_001352577.2, NM_001352578.2, NM_001352579.2 and 1 more transcripts); c.852A>C, p.Glu284Asp (NM_001352580.2); c.840A>C, p.Glu280Asp (NM_001352581.1); c.702A>C, p.Glu234Asp (NM_001352582.2); c.684A>C, p.Glu228Asp (NM_001352583.1, NM_001352584.1, NM_001301251.2 and 2 more transcripts); c.717A>C, p.Glu239Asp (NM_001352585.1); c.1005A>C, p.Glu335Asp (NM_001271512.3); and 10 more; short protein forms E160D, E239D, E267D, E278D, E284D, E302D, E348D, E313D.
Identifiers: ClinVar variation 1476287 (VCV001476287.6), dbSNP rs2061017400, ClinGen allele CA376374084.
Genomic context (GRCh38, chr10:27,211,007, plus strand): 5'-CATATTCCCAATGTTGCCATTTCCAGGAGGTACTTGAATATCTTCACGAAATCCAGAATT[T>G]TCCATGGGTTGACTGGAATGACCACCCAAGTAATACTGAAATGGTCCATTGTTGGACGTA-3'
Protein context (NP_663736.2, residues 327-347): YLGGHSSQPM[Glu337Asp]NSGFREDIQV